The following is an entry in ClinVar:

ClinVar aggregate classification (germline): Pathogenic. Review status: criteria provided, multiple submitters, no conflicts (2 of 4 stars). 3 submissions from 3 submitters: Pathogenic (2). 1 of the submissions does not count toward it. Last evaluated 2022-06-23.

Conditions:
21-Hydroxylase-Deficient Congenital Adrenal Hyperplasia. Also called: ADRENAL HYPERPLASIA, CONGENITAL, DUE TO 21-HYDROXYLASE DEFICIENCY; ADRENAL HYPERPLASIA III. Identifiers: MedGen C2936858, OMIM 201910.

Allele frequency attached by ClinVar (database versions not stated): TOPMed below 0.00001.

Submissions (3):

Newborn Screening Ontario, Children's Hospital of Eastern Ontario (CHEO)
Classification: Pathogenic for 21-Hydroxylase-Deficient Congenital Adrenal Hyperplasia. Last evaluated: 2022-06-23. Review status: criteria provided, single submitter. Criteria: ACMG Guidelines, 2015. Collection method: clinical testing. Allele origin: germline. Inheritance: Autosomal recessive inheritance.

Greenwood Genetic Center Diagnostic Laboratories, Greenwood Genetic Center
Classification: Pathogenic for 21-Hydroxylase-Deficient Congenital Adrenal Hyperplasia. Last evaluated: 2021-04-23. Review status: criteria provided, single submitter. Criteria: ACMG Guidelines, 2015. Collection method: clinical testing. Allele origin: germline. Affected: yes.
Comment: PVS1, PM2, PM3

Lifecell International Pvt. Ltd
Classification: Pathogenic for 21-Hydroxylase-Deficient Congenital Adrenal Hyperplasia. Review status: no assertion criteria provided. Collection method: clinical testing. Allele origin: germline. Inheritance: Autosomal recessive inheritance. Affected: yes. Observed: 1 variant allele, 1 homozygote. Not counted in ClinVar's aggregate classification.
Comment: This variant in Intron 8 of the CYP21A2 gene c.1118+2 T>C (NM_000500.7). The reference base is conserved across the species and in-silico predictions by Polyphen and SIFT are damaging. IVS8 + 2 T>C abolishes the intron 8 donor splice, leading to retention of intron 8 with the creation of a premature termination codon.

NM_000500.9(CYP21A2):c.1118+2T>C

Genes: CYP21A2 (cytochrome P450 family 21 subfamily A member 2; plus strand), LOC106780800 (CYP21A2 recombination region; plus strand). Cytogenetic location: 6p21.33.
Variant type: single nucleotide variant.
Coding change: c.1118+2T>C on transcript NM_000500.9 (MANE Select); the canonical splice donor site of the intron after coding-DNA position 1118, T replaced by C.
Molecular consequence: splice donor variant.
Genome position (GRCh38, 1-based): chr6:32,040,586, T>C. VCF-style: chr6-32040586-T-C. GRCh37 (hg19) VCF-style: chr6-32008363-T-C.
Other names: c.713+2T>C (NM_001368143.2, NM_001368144.2); c.1028+2T>C (NM_001128590.4).
Identifiers: ClinVar variation 997808 (VCV000997808.10), dbSNP rs1776240589, ClinGen allele CA363511203.